The following is an entry in ClinVar:

ClinVar aggregate classification (germline): Likely pathogenic (1 of 4 stars; one submission).

Submission:

ARUP Laboratories, Molecular Genetics and Genomics, ARUP Laboratories
Classification: Likely pathogenic. Last evaluated: 2022-10-21. Review status: criteria provided, single submitter. Criteria: ARUP Molecular Germline Variant Investigation Process 2021. Collection method: clinical testing. Allele origin: germline.
Comment: The TTN c.91784_91790delinsAC; p.Gly30595AspfsTer17 variant, to our knowledge, is not reported in the medical literature or gene specific databases. This variant is also absent from the Genome Aggregation Database, indicating it is not a common polymorphism. This exon is spliced into 100% of TTN transcripts and encodes a segment of the A-band, a critical region of the TTN protein that interacts with myosin and which is disproportionately enriched with truncating variants in individuals affected with dilated cardiomyopathy (Roberts 2015, Schafer 2017). Based on available information, this variant is considered to be likely pathogenic. References: Roberts AM et al. Integrated allelic, transcriptional, and phenomic dissection of the cardiac effects of titin truncations in health and disease. Sci Transl Med. 2015 Jan 14;7(270):270ra6. PMID: 25589632. Schafer S et al. Titin-truncating variants affect heart function in disease cohorts and the general population. Nat Genet. 2017;49(1):46-53. PMID: 27869827.

NM_001267550.2(TTN):c.91784_91789del (p.Gly30595_Tyr30597delinsAsp)

Genes: TTN (titin; minus strand), TTN-AS1 (TTN antisense RNA 1; plus strand). Cytogenetic location: 2q31.2.
Variant type: Deletion.
Coding change: c.91784_91789del on transcript NM_001267550.2 (MANE Select); coding-DNA positions 91784 to 91789, 6 bases deleted (GTGTAT; older notation c.91784_91789delGTGTAT).
Protein change: p.Gly30595_Tyr30597delinsAsp.
Molecular consequence: inframe indel.
Genome position (GRCh38, 1-based): chr2:178,550,049-178,550,054, ATACAC deleted on the plus strand (GTGTAT on the coding strand, the reverse complement: TTN is on the minus strand). VCF-style (leftmost placement, unchanged base first): chr2-178550048-TATACAC-T. GRCh37 (hg19) VCF-style: chr2-179414775-TATACAC-T.
Other names: c.86861_86866del, p.Gly28954_Tyr28956delinsAsp (NM_001256850.1); c.64589_64594del, p.Gly21530_Tyr21532delinsAsp (NM_003319.4); c.84080_84085del, p.Gly28027_Tyr28029delinsAsp (NM_133378.4); c.64964_64969del, p.Gly21655_Tyr21657delinsAsp (NM_133432.3); c.65165_65170del, p.Gly21722_Tyr21724delinsAsp (NM_133437.4).
Identifiers: ClinVar variation 2428628 (VCV002428628.3), dbSNP rs2469187115, ClinGen allele CA2580064715.